The following is an entry in ClinVar:

NM_019109.5(ALG1):c.1037C>G (p.Pro346Arg)

Gene: ALG1 (ALG1 chitobiosyldiphosphodolichol beta-mannosyltransferase; plus strand). Cytogenetic location: 16p13.3.
Variant type: single nucleotide variant.
Coding change: c.1037C>G on transcript NM_019109.5 (MANE Select); coding-DNA position 1037, C replaced by G.
Protein change: p.Pro346Arg; replaces proline 346 with arginine.
Molecular consequence: missense variant.
Genome position (GRCh38, 1-based): chr16:5,081,021, C>G. VCF-style: chr16-5081021-C-G. GRCh37 (hg19) VCF-style: chr16-5131022-C-G.
Other names: c.704C>G, p.Pro235Arg (NM_001330504.2); short protein forms P346R, P235R.
Identifiers: ClinVar variation 95930 (VCV000095930.14), dbSNP rs398124347, ClinGen allele CA223549.

ClinVar aggregate classification (germline): Conflicting classifications of pathogenicity. Review status: criteria provided, conflicting classifications (1 of 4 stars). 2 submissions from 2 submitters: Pathogenic (1); Uncertain significance (1). Last evaluated 2025-07-08.

Conditions:
ALG1-congenital disorder of glycosylation. Also called: CONGENITAL DISORDER OF GLYCOSYLATION, TYPE Ik; CDG Ik; ALG1-CDG. Identifiers: Orphanet 79327, MedGen C2931005, MONDO:0012052, OMIM 608540.

gnomAD v4.1: 17 of 1,596,240 alleles (0.0011%); highest among the groups gnomAD compares: Admixed American, 0.0067%; no homozygotes.

Submissions (2):

Labcorp Genetics (formerly Invitae), Labcorp
Classification: Pathogenic for ALG1-congenital disorder of glycosylation. Last evaluated: 2025-07-08. Review status: criteria provided, single submitter. Criteria: Invitae Variant Classification Sherloc (09022015). Collection method: clinical testing. Allele origin: germline.
Comment: This sequence change replaces proline, which is neutral and non-polar, with arginine, which is basic and polar, at codon 346 of the ALG1 protein (p.Pro346Arg). This variant is present in population databases (rs398124347, gnomAD 0.01%). This missense change has been observed in individual(s) with ALG1-congenital disorder of glycosylation (PMID: 23806237, 26931382). ClinVar contains an entry for this variant (Variation ID: 95930). Invitae Evidence Modeling of protein sequence and biophysical properties (such as structural, functional, and spatial information, amino acid conservation, physicochemical variation, residue mobility, and thermodynamic stability) indicates that this missense variant is expected to disrupt ALG1 protein function with a positive predictive value of 80%. This variant disrupts the p.Pro346 amino acid residue in ALG1. Other variant(s) that disrupt this residue have been determined to be pathogenic (internal data). This suggests that this residue is clinically significant, and that variants that disrupt this residue are likely to be disease-causing. For these reasons, this variant has been classified as Pathogenic.

Eurofins Ntd Llc (ga)
Classification: Uncertain significance. Last evaluated: 2013-10-08. Review status: criteria provided, single submitter. Criteria: EGL Classification Definitions 2015. Collection method: clinical testing. Allele origin: germline. Observed: 3 variant alleles, 3 heterozygotes.

Literature cited by the submitters: PubMed 23806237 (cited by Labcorp Genetics (formerly Invitae), Labcorp); PubMed 26931382 (cited by Labcorp Genetics (formerly Invitae), Labcorp).